The following is an entry in ClinVar:

NM_177400.3(NKX6-2):c.230G>C (p.Gly77Ala)

Gene: NKX6-2 (NK6 homeobox 2; minus strand). Cytogenetic location: 10q26.3.
Variant type: single nucleotide variant.
Coding change: c.230G>C on transcript NM_177400.3 (MANE Select); coding-DNA position 230, G replaced by C.
Protein change: p.Gly77Ala; replaces glycine 77 with alanine.
Molecular consequence: missense variant.
Genome position (GRCh38, 1-based): chr10:132,785,719, C>G on the plus strand (G>C on the coding strand, the complement: NKX6-2 is on the minus strand). VCF-style: chr10-132785719-C-G. GRCh37 (hg19) VCF-style: chr10-134599223-C-G.
Other names: short protein forms G77A.
Identifiers: ClinVar variation 1314036 (VCV001314036.2), dbSNP rs1847256398, ClinGen allele CA378771560.

ClinVar aggregate classification (germline): Uncertain significance (1 of 4 stars; one submission).

Allele frequency attached by ClinVar (database versions not stated): gnomAD exomes below 0.00001.
gnomAD v4.1: 1 of 1,236,742 alleles (0.000081%); highest among the groups gnomAD compares: Non-Finnish European, 0.0001%; no homozygotes.

Submission:

GeneDx
Classification: Uncertain significance. Last evaluated: 2020-01-21. Review status: criteria provided, single submitter. Criteria: GeneDx Variant Classification Process June 2021. Collection method: clinical testing. Allele origin: germline. Affected: yes.
Comment: Not observed in large population cohorts (Lek et al., 2016); In silico analysis, which includes protein predictors and evolutionary conservation, supports that this variant does not alter protein structure/function; Has not been previously published as pathogenic or benign to our knowledge